The following is an entry in ClinVar:

NM_080732.4(EGLN2):c.703A>G (p.Ile235Val)

Genes: EGLN2 (egl-9 family hypoxia inducible factor 2; plus strand), RAB4B-EGLN2 (RAB4B-EGLN2 readthrough (NMD candidate); plus strand). Cytogenetic location: 19q13.2.
Variant type: single nucleotide variant.
Coding change: c.703A>G on transcript NM_080732.4 (MANE Select); coding-DNA position 703, A replaced by G.
Protein change: p.Ile235Val; replaces isoleucine 235 with valine.
Molecular consequence: missense variant. On other transcripts: non-coding transcript variant (1).
Genome position (GRCh38, 1-based): chr19:40,801,275, A>G. VCF-style: chr19-40801275-A-G. GRCh37 (hg19) VCF-style: chr19-41307180-A-G.
Other names: c.703A>G, p.Ile235Val (NM_053046.4); short protein forms I235V.
Identifiers: ClinVar variation 3507268 (VCV003507268.1).

ClinVar aggregate classification (germline): Uncertain significance (1 of 4 stars; one submission).

Submission:

Ambry Genetics
Classification: Uncertain significance. Last evaluated: 2024-07-24. Review status: criteria provided, single submitter. Criteria: Ambry Variant Classification Scheme 2023. Collection method: clinical testing. Allele origin: germline.
Comment: The p.I235V variant (also known as c.703A>G), located in coding exon 1 of the EGLN2 gene, results from an A to G substitution at nucleotide position 703. The isoleucine at codon 235 is replaced by valine, an amino acid with highly similar properties. This amino acid position is conserved. In addition, this alteration is predicted to be tolerated by in silico analysis. Based on the available evidence, the clinical significance of this variant remains unclear.